The following is an entry in ClinVar:

NM_000138.5(FBN1):c.5724A>G (p.Thr1908=)

Gene: FBN1 (fibrillin 1; minus strand). Cytogenetic location: 15q21.1.
Variant type: single nucleotide variant.
Coding change: c.5724A>G on transcript NM_000138.5 (MANE Select); coding-DNA position 5724, A replaced by G.
Protein change: p.Thr1908=; no amino-acid change (threonine 1908 retained).
Molecular consequence: synonymous variant.
Genome position (GRCh38, 1-based): chr15:48,446,770, T>C on the plus strand (A>G on the coding strand, the complement: FBN1 is on the minus strand). VCF-style: chr15-48446770-T-C. GRCh37 (hg19) VCF-style: chr15-48738967-T-C.
Identifiers: ClinVar variation 316371 (VCV000316371.52), dbSNP rs141219664, ClinGen allele CA055450.
Genomic context (GRCh38, chr15:48,446,770, plus strand): 5'-ACAGTCATTGTTGTGAGAAAGGATGAAACCATGATTGCAGCGGCAGTTGAAGGAACCAAT[T>C]GTGTTCCGGCAAGTTCCATTCCCACAGGCATCTCTTTCACATTCATTTATGTCTAGTAGG-3'
Protein context (NP_000129.3, residues 1898-1918): DACGNGTCRN[Thr1908=]IGSFNCRCNH

ClinVar aggregate classification (germline): Conflicting classifications of pathogenicity. Review status: criteria provided, conflicting classifications (1 of 4 stars). 14 submissions from 8 submitters: Uncertain significance (2); Likely benign (12). Last evaluated 2025-12-21.

Conditions:
Weill-Marchesani syndrome. Also called: WM Syndrome; Mesodermal dysmorphodystrophy congenital. Identifiers: Orphanet 3449, MedGen C0265313, MONDO:0018096.
Familial thoracic aortic aneurysm and aortic dissection (TAAD). Also called: Thoracic aortic aneurysms and dissections. Identifiers: Orphanet 91387, MedGen C4707243, MONDO:0019625.
Marfan syndrome (MFS). Also called: MARFAN SYNDROME, TYPE I; Marfan syndrome type 1; Marfan's syndrome; FBN1-Related Marfan Syndrome; Marfan syndrome, classic. Identifiers: Orphanet 284963, Orphanet 558, MedGen C0024796, MONDO:0007947, OMIM 154700.
Geleophysic dysplasia. Identifiers: Orphanet 2623, MedGen C3489726, MONDO:0000127.
Acromicric dysplasia (ACMICD). Also called: Acromicric skeletal dysplasia. Identifiers: Orphanet 969, MedGen C0265287, MONDO:0007055, OMIM 102370.
Stiff skin syndrome (SSKS). Identifiers: Orphanet 2833, MedGen C1861456, MONDO:0008492, OMIM 184900.
Ectopia lentis 1, isolated, autosomal dominant (ECTOL1). Identifiers: Orphanet 1885, MedGen C3541518, MONDO:0007514, OMIM 129600.

Allele frequency attached by ClinVar (database versions not stated): ExAC 0.00003; gnomAD 0.00004; gnomAD exomes 0.00005 and 0.00006; TOPMed 0.00005; ESP Exome Variant Server 0.00008.
gnomAD v4.1: 78 of 1,613,388 alleles (0.0048%); highest among the groups gnomAD compares: Middle Eastern, 0.066%; no homozygotes.

Submissions (14):

Labcorp Genetics (formerly Invitae), Labcorp
Classification: Likely benign for Marfan syndrome; Familial thoracic aortic aneurysm and aortic dissection. Last evaluated: 2025-12-21. Review status: criteria provided, single submitter. Criteria: Invitae Variant Classification Sherloc (09022015). Collection method: clinical testing. Allele origin: germline.

Women's Health and Genetics/Laboratory Corporation of America, LabCorp
Classification: Likely benign. Last evaluated: 2025-07-28. Review status: criteria provided, single submitter. Criteria: LabCorp Variant Classification Summary - May 2015. Collection method: clinical testing. Allele origin: germline.

Blueprint Genetics
Classification: Likely benign. Last evaluated: 2024-09-18. Review status: criteria provided, single submitter. Criteria: ACMG Guidelines, 2015. Collection method: clinical testing. Allele origin: germline.

All of Us Research Program, National Institutes of Health
Classification: Likely benign for Marfan syndrome. Last evaluated: 2024-02-05. Review status: criteria provided, single submitter. Criteria: ACMG Guidelines, 2015. Collection method: clinical testing. Allele origin: germline. Inheritance: Autosomal dominant inheritance. Observed: 9 variant alleles, 9 heterozygotes.
Comment: This study involves interpretation of variants in research participants for the purpose of population health screening. Participant phenotype was not available at the time of variant classification. Additional details can be found in publication PMID: 35346344, PMCID: PMC8962531

CeGaT Center for Human Genetics Tuebingen
Classification: Likely benign. Last evaluated: 2022-08-01. Review status: criteria provided, single submitter. Criteria: CeGaT Center For Human Genetics Tuebingen Variant Classification Criteria Version 2. Collection method: clinical testing. Allele origin: germline. Affected: yes. Observed: 1 variant allele.
Comment: FBN1: BP4, BP7

Color Diagnostics, LLC DBA Color Health
Classification: Likely benign for Familial thoracic aortic aneurysm and aortic dissection. Last evaluated: 2018-11-21. Review status: criteria provided, single submitter. Criteria: ACMG Guidelines, 2015. Collection method: clinical testing. Allele origin: germline.

Illumina Laboratory Services, Illumina
Classification: Likely benign for Acromicric dysplasia. Last evaluated: 2018-01-13. Review status: criteria provided, single submitter. Criteria: ICSL Variant Classification Criteria 13 December 2019. Collection method: clinical testing. Allele origin: germline.
Comment: This variant was observed in the ICSL laboratory as part of a predisposition screen in an ostensibly healthy population. It had not been previously curated by ICSL or reported in the Human Gene Mutation Database (HGMD: prior to June 1st, 2018), and was therefore a candidate for classification through an automated scoring system. Utilizing variant allele frequency, disease prevalence and penetrance estimates, and inheritance mode, an automated score was calculated to assess if this variant is too frequent to cause the disease. Based on the score and internal cut-off values, a variant classified as likely benign is not then subjected to further curation. The score for this variant resulted in a classification of likely benign for this disease.

Illumina Laboratory Services, Illumina
Classification: Uncertain significance for Familial thoracic aortic aneurysm and aortic dissection. Last evaluated: 2018-01-13. Review status: criteria provided, single submitter. Criteria: ICSL Variant Classification Criteria 13 December 2019. Collection method: clinical testing. Allele origin: germline.

Illumina Laboratory Services, Illumina
Classification: Likely benign for Geleophysic dysplasia. Last evaluated: 2018-01-13. Review status: criteria provided, single submitter. Criteria: ICSL Variant Classification Criteria 13 December 2019. Collection method: clinical testing. Allele origin: germline.
Comment: the same text as in the submission from Illumina Laboratory Services, Illumina above.

Illumina Laboratory Services, Illumina
Classification: Likely benign for Weill-Marchesani syndrome. Last evaluated: 2018-01-13. Review status: criteria provided, single submitter. Criteria: ICSL Variant Classification Criteria 13 December 2019. Collection method: clinical testing. Allele origin: germline.
Comment: the same text as in the submission from Illumina Laboratory Services, Illumina above.

Illumina Laboratory Services, Illumina
Classification: Likely benign for Stiff skin syndrome. Last evaluated: 2018-01-13. Review status: criteria provided, single submitter. Criteria: ICSL Variant Classification Criteria 13 December 2019. Collection method: clinical testing. Allele origin: germline.
Comment: the same text as in the submission from Illumina Laboratory Services, Illumina above.

Illumina Laboratory Services, Illumina
Classification: Likely benign for Ectopia lentis 1, isolated, autosomal dominant. Last evaluated: 2018-01-13. Review status: criteria provided, single submitter. Criteria: ICSL Variant Classification Criteria 13 December 2019. Collection method: clinical testing. Allele origin: germline.
Comment: the same text as in the submission from Illumina Laboratory Services, Illumina above.

Illumina Laboratory Services, Illumina
Classification: Uncertain significance for Marfan syndrome. Last evaluated: 2018-01-13. Review status: criteria provided, single submitter. Criteria: ICSL Variant Classification Criteria 13 December 2019. Collection method: clinical testing. Allele origin: germline.

Ambry Genetics
Classification: Likely benign for Familial thoracic aortic aneurysm and aortic dissection. Last evaluated: 2016-06-15. Review status: criteria provided, single submitter. Criteria: Ambry Variant Classification Scheme 2023. Collection method: clinical testing. Allele origin: germline.